The following is an entry in ClinVar:

ClinVar aggregate classification (germline): Conflicting classifications of pathogenicity. Review status: criteria provided, conflicting classifications (1 of 4 stars). 4 submissions from 4 submitters: Uncertain significance (1); Benign (1); Likely benign (1). 1 of the submissions does not count toward it. Last evaluated 2025-08-04.

Conditions:
Kabuki syndrome 1 (KABUK1). Also called: KMT2D-Related Kabuki Syndrome. Identifiers: Orphanet 2322, MedGen CN030661, MONDO:0007843, OMIM 147920.
Choanal atresia-athelia-hypothyroidism-delayed puberty-short stature syndrome (BCAHH). Also called: BRANCHIAL ARCH ABNORMALITIES, CHOANAL ATRESIA, ATHELIA, HEARING LOSS, AND HYPOTHYROIDISM SYNDROME. Identifiers: Orphanet 589856, MedGen C5680310, MONDO:0035651, OMIM 620186.
Kabuki syndrome. Also called: Kabuki make-up syndrome; NIIKAWA-KUROKI SYNDROME. Identifiers: Orphanet 2322, MedGen C0796004, MONDO:0016512.
KMT2D-related disorder. Also called: KMT2D-Related Disorders.

Allele frequency attached by ClinVar (database versions not stated): gnomAD exomes 0.00002 and 0.00003; gnomAD 0.00003; TOPMed 0.00003; ExAC 0.00006; ESP Exome Variant Server 0.00008.
gnomAD v4.1: 26 of 1,603,892 alleles (0.0016%); highest among the groups gnomAD compares: East Asian, 0.0067%; no homozygotes.

Submissions (4):

Labcorp Genetics (formerly Invitae), Labcorp
Classification: Benign for Kabuki syndrome. Last evaluated: 2025-08-04. Review status: criteria provided, single submitter. Criteria: Invitae Variant Classification Sherloc (09022015). Collection method: clinical testing. Allele origin: germline.

CeGaT Center for Human Genetics Tuebingen
Classification: Likely benign. Last evaluated: 2024-04-01. Review status: criteria provided, single submitter. Criteria: CeGaT Center For Human Genetics Tuebingen Variant Classification Criteria Version 2. Collection method: clinical testing. Allele origin: germline. Affected: yes. Observed: 1 variant allele.
Comment: KMT2D: BP4, BS2

Fulgent Genetics
Classification: Uncertain significance for Kabuki syndrome 1; Choanal atresia-athelia-hypothyroidism-delayed puberty-short stature syndrome. Last evaluated: 2024-02-26. Review status: criteria provided, single submitter. Criteria: ACMG Guidelines, 2015. Collection method: clinical testing. Allele origin: germline.

PreventionGenetics, part of Exact Sciences
Classification: Likely benign for KMT2D-related condition. Last evaluated: 2024-07-03. Review status: no assertion criteria provided. Collection method: clinical testing. Allele origin: germline. Not counted in ClinVar's aggregate classification.
Comment: This variant is classified as likely benign based on ACMG/AMP sequence variant interpretation guidelines (Richards et al. 2015 PMID: 25741868, with internal and published modifications).

NM_003482.4(KMT2D):c.13924G>A (p.Val4642Ile)

Gene: KMT2D (lysine methyltransferase 2D; minus strand). Cytogenetic location: 12q13.12.
Variant type: single nucleotide variant.
Coding change: c.13924G>A on transcript NM_003482.4 (MANE Select); coding-DNA position 13924, G replaced by A.
Protein change: p.Val4642Ile; replaces valine 4642 with isoleucine.
Molecular consequence: missense variant.
Genome position (GRCh38, 1-based): chr12:49,030,355, C>T on the plus strand (G>A on the coding strand, the complement: KMT2D is on the minus strand). VCF-style: chr12-49030355-C-T. GRCh37 (hg19) VCF-style: chr12-49424138-C-T.
Other names: c.13924G>A (NM_003482.3); short protein forms V4642I.
Identifiers: ClinVar variation 1423016 (VCV001423016.28), dbSNP rs200638996, ClinGen allele CA6545861.